The following is an entry in ClinVar:

ClinVar aggregate classification (germline): Uncertain significance. Review status: criteria provided, multiple submitters, no conflicts (2 of 4 stars). 3 submissions from 3 submitters: Uncertain significance (3). Last evaluated 2025-08-23.

Conditions:
Inborn genetic diseases. Identifiers: MedGen C0950123, MeSH D030342.
Hereditary cancer-predisposing syndrome. Also called: Hereditary Cancer Syndrome; Hereditary neoplastic syndrome; Neoplastic Syndromes, Hereditary; Tumor predisposition. Identifiers: Orphanet 140162, MedGen C0027672, MeSH D009386, MONDO:0015356.

Allele frequency attached by ClinVar (database versions not stated): ExAC 0.00001; gnomAD 0.00001; gnomAD exomes 0.00001; TOPMed 0.00002.
gnomAD v4.1: 19 of 1,613,362 alleles (0.0012%); highest among the groups gnomAD compares: Non-Finnish European, 0.0016%; no homozygotes.

Submissions (3):

Ambry Genetics
Classification: Uncertain significance for Inborn genetic diseases. Last evaluated: 2025-08-23. Review status: criteria provided, single submitter. Criteria: Ambry Variant Classification Scheme 2023. Collection method: clinical testing. Allele origin: germline.

Labcorp Genetics (formerly Invitae), Labcorp
Classification: Uncertain significance. Last evaluated: 2023-01-05. Review status: criteria provided, single submitter. Criteria: Invitae Variant Classification Sherloc (09022015). Collection method: clinical testing. Allele origin: germline.
Comment: This sequence change replaces glutamic acid, which is acidic and polar, with lysine, which is basic and polar, at codon 1090 of the ERCC5 protein (p.Glu1090Lys). This variant is present in population databases (rs762312048, gnomAD 0.002%). This variant has not been reported in the literature in individuals affected with ERCC5-related conditions. ClinVar contains an entry for this variant (Variation ID: 1692190). Algorithms developed to predict the effect of missense changes on protein structure and function output the following: SIFT: "Tolerated"; PolyPhen-2: "Benign"; Align-GVGD: "Class C0". The lysine amino acid residue is found in multiple mammalian species, which suggests that this missense change does not adversely affect protein function. In summary, the available evidence is currently insufficient to determine the role of this variant in disease. Therefore, it has been classified as a Variant of Uncertain Significance.

Sema4
Classification: Uncertain significance for Hereditary cancer-predisposing syndrome. Last evaluated: 2021-11-27. Review status: criteria provided, single submitter. Criteria: Sema4 Curation Guidelines. Collection method: curation. Allele origin: germline.
Comment: The ERCC5 c.3268G>A (p.E1090K) variant has not been reported in the literature to our knowledge. It was observed in 2/113308 chromosomes in the Non-Finnish European subpopulation according to the Genome Aggregation Database (PMID: 32461654). This variant has not been reported in ClinVar. In silico tools suggest the impact of the variant on protein function is benign, though these predictions have not been confirmed by functional studies. The evidence is insufficient to meet ACMG/AMP criteria for classifying the variant as benign or pathogenic. Thus, the clinical significance of this variant is currently uncertain.

NM_000123.4(ERCC5):c.3268G>A (p.Glu1090Lys)

Genes: ERCC5 (ERCC excision repair 5, endonuclease; plus strand), BIVM-ERCC5 (BIVM-ERCC5 readthrough; plus strand). Cytogenetic location: 13q33.1.
Variant type: single nucleotide variant.
Coding change: c.3268G>A on transcript NM_000123.4 (MANE Select); coding-DNA position 3268, G replaced by A.
Protein change: p.Glu1090Lys; replaces glutamic acid 1090 with lysine.
Molecular consequence: missense variant.
Genome position (GRCh38, 1-based): chr13:102,875,610, G>A. VCF-style: chr13-102875610-G-A. GRCh37 (hg19) VCF-style: chr13-103527960-G-A.
Other names: c.4630G>A, p.Glu1544Lys (NM_001204425.2); short protein forms E1090K, E1544K.
Identifiers: ClinVar variation 1692190 (VCV001692190.4), dbSNP rs762312048, ClinGen allele CA7041864.